The following is an entry in ClinVar:

NM_018062.4(FANCL):c.472T>G (p.Tyr158Asp)

Gene: FANCL (FA complementation group L; minus strand). Cytogenetic location: 2p16.1.
Variant type: single nucleotide variant.
Coding change: c.472T>G on transcript NM_018062.4 (MANE Select); coding-DNA position 472, T replaced by G.
Protein change: p.Tyr158Asp; replaces tyrosine 158 with aspartic acid.
Molecular consequence: missense variant.
Genome position (GRCh38, 1-based): chr2:58,198,662, A>C on the plus strand (T>G on the coding strand, the complement: FANCL is on the minus strand). VCF-style: chr2-58198662-A-C. GRCh37 (hg19) VCF-style: chr2-58425797-A-C.
Other names: c.472T>G, p.Tyr158Asp (NM_001114636.2, NM_001374615.1, NM_001410792.1); short protein forms Y158D.
Identifiers: ClinVar variation 950470 (VCV000950470.7), dbSNP rs749411866, ClinGen allele CA1670598.

ClinVar aggregate classification (germline): Uncertain significance (1 of 4 stars; one submission).

Conditions:
Fanconi anemia (FA). Also called: Fanconi's anemia. Identifiers: Orphanet 84, MedGen C0015625, MeSH D005199, MONDO:0019391.

Allele frequency attached by ClinVar (database versions not stated): TOPMed below 0.00001; gnomAD 0.00001; gnomAD exomes 0.00001 and 0.00004; ExAC 0.00002.
gnomAD v4.1: 13 of 1,612,902 alleles (0.00081%); highest among the groups gnomAD compares: Admixed American, 0.017%; no homozygotes.

Submission:

Labcorp Genetics (formerly Invitae), Labcorp
Classification: Uncertain significance for Fanconi anemia. Last evaluated: 2024-04-10. Review status: criteria provided, single submitter. Criteria: Invitae Variant Classification Sherloc (09022015). Collection method: clinical testing. Allele origin: germline.
Comment: This sequence change replaces tyrosine, which is neutral and polar, with aspartic acid, which is acidic and polar, at codon 158 of the FANCL protein (p.Tyr158Asp). This variant is present in population databases (rs749411866, gnomAD 0.03%). This variant has not been reported in the literature in individuals affected with FANCL-related conditions. ClinVar contains an entry for this variant (Variation ID: 950470). An algorithm developed to predict the effect of missense changes on protein structure and function (PolyPhen-2) suggests that this variant is likely to be disruptive. In summary, the available evidence is currently insufficient to determine the role of this variant in disease. Therefore, it has been classified as a Variant of Uncertain Significance.